The following is an entry in ClinVar:

NM_004082.5(DCTN1):c.538A>G (p.Ser180Gly)

Gene: DCTN1 (dynactin subunit 1; minus strand). Cytogenetic location: 2p13.1.
Variant type: single nucleotide variant.
Coding change: c.538A>G on transcript NM_004082.5 (MANE Select); coding-DNA position 538, A replaced by G.
Protein change: p.Ser180Gly; replaces serine 180 with glycine.
Molecular consequence: missense variant. On other transcripts: non-coding transcript variant (1).
Genome position (GRCh38, 1-based): chr2:74,371,644, T>C on the plus strand (A>G on the coding strand, the complement: DCTN1 is on the minus strand). VCF-style: chr2-74371644-T-C. GRCh37 (hg19) VCF-style: chr2-74598771-T-C.
Other names: c.478A>G, p.Ser160Gly (NM_001135040.3); c.136A>G, p.Ser46Gly (NM_001135041.3, NM_023019.4); c.427A>G, p.Ser143Gly (NM_001190836.2); c.517A>G, p.Ser173Gly (NM_001190837.2); c.487A>G, p.Ser163Gly (NM_001378991.1); c.469A>G, p.Ser157Gly (NM_001378992.1); short protein forms S173G, S180G, S46G, S143G, S157G, S160G, S163G.
Identifiers: ClinVar variation 4791376 (VCV004791376.1).

ClinVar aggregate classification (germline): Uncertain significance (1 of 4 stars; one submission).

Conditions:
Amyotrophic lateral sclerosis type 1 (ALS1). Also called: AMYOTROPHIC LATERAL SCLEROSIS 1, FAMILIAL. Identifiers: Orphanet 803, MedGen C1862939, MONDO:0007103, OMIM 105400.
Neuronopathy, distal hereditary motor, type 7B. Also called: HMN VIIB; LOWER MOTOR NEURON DISEASE, DYNACTIN TYPE; NEURONOPATHY, DISTAL HEREDITARY MOTOR, AUTOSOMAL DOMINANT 14; NEURONOPATHY, DISTAL HEREDITARY MOTOR, HARDING TYPE VIIB; NEUROPATHY, DISTAL HEREDITARY MOTOR, HARDING TYPE VIIB; NEUROPATHY, DISTAL HEREDITARY MOTOR, WITH VOCAL CORD PARALYSIS, HARDING TYPE VIIB. Identifiers: Orphanet 139589, MedGen C1843315, MONDO:0011879, OMIM 607641.
Perry syndrome. Also called: PARKINSONISM WITH ALVEOLAR HYPOVENTILATION AND MENTAL DEPRESSION. Identifiers: Orphanet 178509, MedGen C1868594, MONDO:0008201, OMIM 168605.

Submission:

Labcorp Genetics (formerly Invitae), Labcorp
Classification: Uncertain significance for Amyotrophic lateral sclerosis type 1; Neuronopathy, distal hereditary motor, type 7B; Perry syndrome. Last evaluated: 2025-10-02. Review status: criteria provided, single submitter. Criteria: Invitae Variant Classification Sherloc (09022015). Collection method: clinical testing. Allele origin: germline.
Comment: This sequence change replaces serine, which is neutral and polar, with glycine, which is neutral and non-polar, at codon 180 of the DCTN1 protein (p.Ser180Gly). This variant is not present in population databases (gnomAD no frequency). This variant has not been reported in the literature in individuals affected with DCTN1-related conditions. Invitae Evidence Modeling of protein sequence and biophysical properties (such as structural, functional, and spatial information, amino acid conservation, physicochemical variation, residue mobility, and thermodynamic stability) indicates that this missense variant is not expected to disrupt DCTN1 protein function with a negative predictive value of 95%. In summary, the available evidence is currently insufficient to determine the role of this variant in disease. Therefore, it has been classified as a Variant of Uncertain Significance.